The following is an entry in ClinVar:

ClinVar aggregate classification (germline): Uncertain significance (1 of 4 stars; one submission).

Submission:

GeneDx
Classification: Uncertain significance. Last evaluated: 2025-09-30. Review status: criteria provided, single submitter. Criteria: GeneDx Variant Classification Process June 2021. Collection method: clinical testing. Allele origin: germline. Affected: yes.
Comment: Frameshift variant predicted to result in abnormal protein length as the last 4 amino acid(s) are replaced with 42 different amino acid(s); Not observed at significant frequency in large population cohorts (gnomAD); Has not been previously published as pathogenic or benign to our knowledge

NM_001348716.2(KDM6B):c.4918_*24del (p.Ser1640_Ter1644del)

Gene: KDM6B (lysine demethylase 6B; plus strand). Cytogenetic location: 17p13.1.
Variant type: Deletion.
Coding change: c.4918_*24del on transcript NM_001348716.2 (MANE Select); coding-DNA position 4918 through 24 bases downstream of the stop codon, 39 bases deleted.
Protein change: p.Ser1640_Ter1644del.
Molecular consequence: stop lost, inframe deletion.
Genome position (GRCh38, 1-based): chr17:7,853,507-7,853,545, 39 bases deleted; deleting any 39 consecutive bases within chr17:7,853,504-7,853,545 gives the same sequence; the c. name uses the placement nearest the transcript's 3' end. GRCh37 (hg19): chr17:7,756,825-7,756,863.
Other names: c.5035_*24del, p.Ser1679_Ter1683del (NM_001080424.2).
Identifiers: ClinVar variation 4819520 (VCV004819520.1).